The following is an entry in ClinVar:

NM_000836.4(GRIN2D):c.3512C>T (p.Pro1171Leu)

Gene: GRIN2D (glutamate ionotropic receptor NMDA type subunit 2D; plus strand). Cytogenetic location: 19q13.33.
Variant type: single nucleotide variant.
Coding change: c.3512C>T on transcript NM_000836.4 (MANE Select); coding-DNA position 3512, C replaced by T.
Protein change: p.Pro1171Leu; replaces proline 1171 with leucine.
Molecular consequence: missense variant.
Genome position (GRCh38, 1-based): chr19:48,443,438, C>T. VCF-style: chr19-48443438-C-T. GRCh37 (hg19) VCF-style: chr19-48946695-C-T.
Other names: short protein forms P1171L.
Identifiers: ClinVar variation 2632511 (VCV002632511.1), dbSNP rs776934120, ClinGen allele CA9550864.

ClinVar aggregate classification (germline): Uncertain significance (1 of 4 stars; one submission).

Conditions:
GRIN2D-related disorder. Also called: GRIN2D-related condition.

Submission:

PreventionGenetics, part of Exact Sciences
Classification: Uncertain significance for GRIN2D-related condition. Last evaluated: 2023-06-09. Review status: criteria provided, single submitter. Criteria: ACMG Guidelines, 2015. Collection method: clinical testing. Allele origin: germline.
Comment: The GRIN2D c.3512C>T variant is predicted to result in the amino acid substitution p.Pro1171Leu. To our knowledge, this variant has not been reported in the literature or in a large population database, indicating this variant is rare. At this time, the clinical significance of this variant is uncertain due to the absence of conclusive functional and genetic evidence.